The following is an entry in ClinVar:

NM_005219.5(DIAPH1):c.*1607C>T

Gene: DIAPH1 (diaphanous related formin 1; minus strand). Cytogenetic location: 5q31.3.
Variant type: single nucleotide variant.
Coding change: c.*1607C>T on transcript NM_005219.5 (MANE Select); 1607 bases downstream of the stop codon, C replaced by T.
Molecular consequence: 3 prime UTR variant.
Genome position (GRCh38, 1-based): chr5:141,515,244, G>A on the plus strand (C>T on the coding strand, the complement: DIAPH1 is on the minus strand). VCF-style: chr5-141515244-G-A. GRCh37 (hg19) VCF-style: chr5-140894811-G-A.
Other names: c.*1607C>T (NM_001079812.3); c.*1726C>T (NM_001314007.2).
Identifiers: ClinVar variation 351258 (VCV000351258.5), dbSNP rs527786719, ClinGen allele CA10622996.

ClinVar aggregate classification (germline): Benign (1 of 4 stars; one submission).

Conditions:
Autosomal dominant nonsyndromic hearing loss 1. Also called: KONIGSMARK SYNDROME; DEAFNESS, AUTOSOMAL DOMINANT 1, WITH OR WITHOUT THROMBOCYTOPENIA. Identifiers: Orphanet 90635, MedGen C1852282, MONDO:0007424, OMIM 124900.

Allele frequency attached by ClinVar (database versions not stated): gnomAD 0.00001 and 0.00063; TOPMed 0.00014; 1000 Genomes Project 0.00439; 1000 Genomes Project 30x 0.00468.

Submission:

Illumina Laboratory Services, Illumina
Classification: Benign for Autosomal dominant nonsyndromic hearing loss 1. Last evaluated: 2018-01-12. Review status: criteria provided, single submitter. Criteria: ICSL Variant Classification Criteria 13 December 2019. Collection method: clinical testing. Allele origin: germline.
Comment: This variant was observed in the ICSL laboratory as part of a predisposition screen in an ostensibly healthy population. It had not been previously curated by ICSL or reported in the Human Gene Mutation Database (HGMD: prior to June 1st, 2018), and was therefore a candidate for classification through an automated scoring system. Utilizing variant allele frequency, disease prevalence and penetrance estimates, and inheritance mode, an automated score was calculated to assess if this variant is too frequent to cause the disease. Based on the score and internal cut-off values, a variant classified as benign is not then subjected to further curation. The score for this variant resulted in a classification of benign for this disease.